The following is an entry in ClinVar:

NM_020738.4(KIDINS220):c.4975A>G (p.Ile1659Val)

Gene: KIDINS220 (kinase D interacting substrate 220; minus strand). Cytogenetic location: 2p25.1.
Variant type: single nucleotide variant.
Coding change: c.4975A>G on transcript NM_020738.4 (MANE Select); coding-DNA position 4975, A replaced by G.
Protein change: p.Ile1659Val; replaces isoleucine 1659 with valine.
Molecular consequence: missense variant. On other transcripts: intron variant (6).
Genome position (GRCh38, 1-based): chr2:8,731,061, T>C on the plus strand (A>G on the coding strand, the complement: KIDINS220 is on the minus strand). VCF-style: chr2-8731061-T-C. GRCh37 (hg19) VCF-style: chr2-8871191-T-C.
Other names: c.4978A>G, p.Ile1660Val (NM_001348729.2); c.4921A>G, p.Ile1641Val (NM_001348731.2); c.4918A>G, p.Ile1640Val (NM_001348732.2); c.4807A>G, p.Ile1603Val (NM_001348734.2); c.4804A>G, p.Ile1602Val (NM_001348735.2); c.4678A>G, p.Ile1560Val (NM_001348736.2); c.3882+2383A>G (NM_001348741.2, NM_001348742.2, NM_001348743.2); c.3996+2383A>G (NM_001348738.2); and 1 more; short protein forms I1641V, I1560V, I1602V, I1659V, I1660V, I1640V, I1603V.
Identifiers: ClinVar variation 4978776 (VCV004978776.1).
Genomic context (GRCh38, chr2:8,731,061, plus strand): 5'-TTCGGTTCAGGTTGTAGGCTTTCTGGCATGCAGGCCAGTTTTCTTCAGGGCTGCTGGCTA[T>C]CAAGCTGCATTCGGAAGGGCTTTTCTTGTCTTCTGAACAAATGGACATCCGAGCTATAAT-3'
Protein context (NP_065789.1, residues 1649-1669): DKKSPSECSL[Ile1659Val]ASSPEENWPA

ClinVar aggregate classification (germline): Uncertain significance (1 of 4 stars; one submission).

Conditions:
KIDINS220-related disorder. Also called: KIDINS220-related condition.

gnomAD v4.1: 6 of 1,614,126 alleles (0.00037%); highest among the groups gnomAD compares: African/African-American, 0.0027%; no homozygotes.

Submission:

PreventionGenetics, part of Exact Sciences
Classification: Uncertain significance for KIDINS220-related condition. Last evaluated: 2026-01-28. Review status: criteria provided, single submitter. Criteria: ACMG Guidelines, 2015. Collection method: clinical testing. Allele origin: germline.
Comment: The KIDINS220 c.4975A>G variant is predicted to result in the amino acid substitution p.Ile1659Val. To our knowledge, this variant has not been reported in the literature. This variant is reported in 0.0046% of alleles in individuals of European (Finnish) descent in gnomAD. At this time, the clinical significance of this variant is uncertain due to the absence of conclusive functional and genetic evidence.